The following is an entry in ClinVar:

NM_001611.5(ACP5):c.30G>T (p.Leu10=)

Gene: ACP5 (acid phosphatase 5, tartrate resistant; minus strand). Cytogenetic location: 19p13.2.
Variant type: single nucleotide variant.
Coding change: c.30G>T on transcript NM_001611.5 (MANE Select); coding-DNA position 30, G replaced by T.
Protein change: p.Leu10=; no amino-acid change (leucine 10 retained).
Molecular consequence: synonymous variant.
Genome position (GRCh38, 1-based): chr19:11,577,288, C>A on the plus strand (G>T on the coding strand, the complement: ACP5 is on the minus strand). VCF-style: chr19-11577288-C-A. GRCh37 (hg19) VCF-style: chr19-11688103-C-A.
Other names: c.30G>T, p.Leu10= (NM_001111034.3, NM_001111035.3, NM_001111036.3 and 1 more transcripts).
Identifiers: ClinVar variation 779638 (VCV000779638.18), dbSNP rs139654624, ClinGen allele CA9215538.
Genomic context (GRCh38, chr19:11,577,288, plus strand): 5'-GGCTACAAAGCGCAGGGCAGGGGTGGCACCATCAGCCAGGGAGGGTAGCAACAAGGCTTG[C>A]AGGATGAGCAGCGCCGTCCACATGTCCATCTGGGAGAAGAGAGACAAGCATAGGTGGCCC-3'
Protein context (NP_001602.1, residues 1-20): MDMWTALLI[Leu10=]QALLLPSLAD

ClinVar aggregate classification (germline): Likely benign. Review status: criteria provided, multiple submitters, no conflicts (2 of 4 stars). 3 submissions from 3 submitters: Likely benign (3). Last evaluated 2026-01-24.

Conditions:
Spondyloenchondrodysplasia with immune dysregulation (SPENCDI). Also called: ROIFMAN IMMUNOSKELETAL SYNDROME; COMBINED IMMUNODEFICIENCY WITH AUTOIMMUNITY AND SPONDYLOMETAPHYSEAL DYSPLASIA; SPONDYLOENCHONDRODYSPLASIA WITH OR WITHOUT IMMUNE DYSREGULATION. Identifiers: Orphanet 1855, MedGen C1842763, MONDO:0011939, OMIM 607944.

Allele frequency attached by ClinVar (database versions not stated): 1000 Genomes Project 0.00020; gnomAD 0.00022 and 0.00023; ESP Exome Variant Server 0.00023; ExAC 0.00024; gnomAD exomes 0.00024; TOPMed 0.00026; 1000 Genomes Project 30x 0.00031.
gnomAD v4.1: 324 of 1,614,044 alleles (0.02%); highest among the groups gnomAD compares: Admixed American, 0.072%; no homozygotes.

Submissions (3):

Labcorp Genetics (formerly Invitae), Labcorp
Classification: Likely benign for Spondyloenchondrodysplasia with immune dysregulation. Last evaluated: 2026-01-24. Review status: criteria provided, single submitter. Criteria: Invitae Variant Classification Sherloc (09022015). Collection method: clinical testing. Allele origin: germline.

CeGaT Center for Human Genetics Tuebingen
Classification: Likely benign. Last evaluated: 2025-11-01. Review status: criteria provided, single submitter. Criteria: CeGaT Center For Human Genetics Tuebingen Variant Classification Criteria Version 2. Collection method: clinical testing. Allele origin: germline. Affected: yes. Observed: 1 variant allele.
Comment: ACP5: BP4, BP7

Blueprint Genetics
Classification: Likely benign. Last evaluated: 2024-11-28. Review status: criteria provided, single submitter. Criteria: ACMG Guidelines, 2015. Collection method: clinical testing. Allele origin: germline.